The following is an entry in ClinVar:

NC_012920.1(MT-CO3):m.9753G>C

Gene: MT-CO3 (mitochondrially encoded cytochrome c oxidase III; plus strand).
Variant type: single nucleotide variant.
Genome position: chrM-9753-G-C.
Identifiers: ClinVar variation 693219 (VCV000693219.1), dbSNP rs1569484322, ClinGen allele CA414803634.
Genomic context (GRCh38, chrMT:9,753, plus strand): 5'-CTGCTTATTACAATTTTACTGGGTCTCTATTTTACCCTCCTACAAGCCTCAGAGTACTTC[G>C]AGTCTCCCTTCACCATTTCCGACGGCATCTACGGCTCAACATTTTTTGTAGCCACAGGCT-3'

ClinVar aggregate classification (germline): Uncertain significance (1 of 4 stars; one submission).

Conditions:
Leigh syndrome (NULS). Also called: Leigh's necrotizing encephalopathy; Leigh's disease; Leigh Syndrome (mtDNA deletion); Leigh Disease; Subacute necrotizing encephalopathy; Necrotizing encephalopathy infantile subacute of Leigh. Identifiers: Orphanet 506, MedGen C2931891, MONDO:0009723, OMIM 256000.

Submission:

Wong Mito Lab, Molecular and Human Genetics, Baylor College of Medicine
Classification: Uncertain significance for Leigh syndrome. Last evaluated: 2019-10-17. Review status: criteria provided, single submitter. Criteria: Modified ACMG Guidelines (Unpublished). Collection method: clinical testing. Allele origin: germline.
Comment: The NC_012920.1:m.9753G>C (YP_003024032.1:p.Glu183Gln) variant in MTCO3 gene is interpretated to be a Uncertain Significance variant based on the modified ACMG guidelines (unpublished). This variant meets the following evidence codes: PP4